The following is an entry in ClinVar:

ClinVar aggregate classification (germline): Benign/Likely benign. Review status: criteria provided, multiple submitters, no conflicts (2 of 4 stars). 2 submissions from 2 submitters: Benign (1); Likely benign (1). Last evaluated 2025-01-05.

Conditions:
Familial adenomatous polyposis 1 (FAP1). Also called: POLYPOSIS, ADENOMATOUS INTESTINAL; FAMILIAL ADENOMATOUS POLYPOSIS 1, ATTENUATED. Identifiers: MedGen C2713442, MONDO:0021056, OMIM 175100. Disease mechanism: loss of function.
Hereditary cancer-predisposing syndrome. Also called: Neoplastic Syndromes, Hereditary; Tumor predisposition; Hereditary neoplastic syndrome; Hereditary Cancer Syndrome. Identifiers: Orphanet 140162, MedGen C0027672, MeSH D009386, MONDO:0015356.

Submissions (2):

Ambry Genetics
Classification: Likely benign for Hereditary cancer-predisposing syndrome. Last evaluated: 2025-01-05. Review status: criteria provided, single submitter. Criteria: Ambry Variant Classification Scheme 2023. Collection method: clinical testing. Allele origin: germline.

Myriad Genetics, Inc.
Classification: Benign for Familial adenomatous polyposis 1. Last evaluated: 2024-03-26. Review status: criteria provided, single submitter. Criteria: Myriad Autosomal Dominant, Autosomal Recessive and X-Linked Classification Criteria (2023). Collection method: clinical testing. Allele origin: unknown.
Comment: This variant is considered benign. This variant is a silent/synonymous amino acid change and it is not expected to impact splicing.

NM_000038.6(APC):c.4245T>C (p.Ser1415=)

Gene: APC (APC regulator of Wnt signaling pathway; plus strand). Cytogenetic location: 5q22.2.
Variant type: single nucleotide variant.
Coding change: c.4245T>C on transcript NM_000038.6 (MANE Select); coding-DNA position 4245, T replaced by C.
Protein change: p.Ser1415=; no amino-acid change (serine 1415 retained).
Molecular consequence: synonymous variant. On other transcripts: non-coding transcript variant (2).
Genome position (GRCh38, 1-based): chr5:112,839,839, T>C. VCF-style: chr5-112839839-T-C. GRCh37 (hg19) VCF-style: chr5-112175536-T-C.
Other names: c.3972T>C, p.Ser1324= (NM_001354902.2); c.3765T>C, p.Ser1255= (NM_001354905.2); c.3396T>C, p.Ser1132= (NM_001354906.2, NM_001407470.1); c.3942T>C, p.Ser1314= (NM_001354903.2, NM_001407458.1, NM_001407459.1 and 1 more transcripts); c.3867T>C, p.Ser1289= (NM_001354904.2); c.4245T>C, p.Ser1415= (NM_001127510.3, NM_001354895.2, NM_001407450.1); c.4191T>C, p.Ser1397= (NM_001127511.3); c.4299T>C, p.Ser1433= (NM_001354896.2, NM_001407447.1, NM_001407448.1 and 1 more transcripts); and 12 more.
Identifiers: ClinVar variation 3148105 (VCV003148105.2), dbSNP rs2533559564, ClinGen allele CA445964243.